The following is an entry in ClinVar:

ClinVar aggregate classification (germline): Uncertain significance (1 of 4 stars; one submission).

Conditions:
Arrhythmogenic cardiomyopathy with wooly hair and keratoderma. Also called: PALMOPLANTAR KERATODERMA WITH LEFT VENTRICULAR CARDIOMYOPATHY AND WOOLLY HAIR; Carvajal syndrome; Dilated cardiomyopathy with woolly hair and keratoderma; Arrhythmogenic cardiomyopathy with woolly hair and keratoderma. Identifiers: Orphanet 65282, MedGen C1854063, MONDO:0011581, OMIM 605676.
Arrhythmogenic right ventricular dysplasia 8 (ARVD8). Also called: Arrhythmogenic Right Ventricular Dysplasia/Cardiomyopathy 8; ARRHYTHMOGENIC RIGHT VENTRICULAR DYSPLASIA, FAMILIAL, 8; ARRHYTHMOGENIC RIGHT VENTRICULAR CARDIOMYOPATHY 8. Identifiers: MedGen C1843896, MONDO:0011831, OMIM 607450.

Allele frequency attached by ClinVar (database versions not stated): gnomAD 0.00001; gnomAD exomes 0.00001; TOPMed 0.00001; ExAC 0.00002.

Submission:

Labcorp Genetics (formerly Invitae), Labcorp
Classification: Uncertain significance for Arrhythmogenic cardiomyopathy with wooly hair and keratoderma; Arrhythmogenic right ventricular dysplasia 8. Last evaluated: 2022-03-29. Review status: criteria provided, single submitter. Criteria: Invitae Variant Classification Sherloc (09022015). Collection method: clinical testing. Allele origin: germline.
Comment: This sequence change replaces arginine, which is basic and polar, with cysteine, which is neutral and slightly polar, at codon 433 of the DSP protein (p.Arg433Cys). This variant is present in population databases (rs767032884, gnomAD 0.002%). This variant has not been reported in the literature in individuals affected with DSP-related conditions. ClinVar contains an entry for this variant (Variation ID: 405224). Algorithms developed to predict the effect of missense changes on protein structure and function are either unavailable or do not agree on the potential impact of this missense change (SIFT: "Deleterious"; PolyPhen-2: "Probably Damaging"; Align-GVGD: "Class C0"). In summary, the available evidence is currently insufficient to determine the role of this variant in disease. Therefore, it has been classified as a Variant of Uncertain Significance.

NM_004415.4(DSP):c.1297C>T (p.Arg433Cys)

Gene: DSP (desmoplakin; plus strand). Cytogenetic location: 6p24.3.
Variant type: single nucleotide variant.
Coding change: c.1297C>T on transcript NM_004415.4 (MANE Select); coding-DNA position 1297, C replaced by T.
Protein change: p.Arg433Cys; replaces arginine 433 with cysteine.
Molecular consequence: missense variant.
Genome position (GRCh38, 1-based): chr6:7,568,467, C>T. VCF-style: chr6-7568467-C-T. GRCh37 (hg19) VCF-style: chr6-7568700-C-T.
Other names: c.1297C>T (LRG_423t1); c.1297C>T, p.Arg433Cys (NM_001008844.3, NM_001319034.2); short protein forms R433C.
Identifiers: ClinVar variation 405224 (VCV000405224.6), dbSNP rs767032884, ClinGen allele CA027596.